The following is an entry in ClinVar:

ClinVar aggregate classification (germline): Uncertain significance. Review status: criteria provided, multiple submitters, no conflicts (2 of 4 stars). 4 submissions from 4 submitters: Uncertain significance (4). Last evaluated 2022-04-21.

Conditions:
Loeys-Dietz syndrome 4 (LDS4). Also called: ANEURYSM, AORTIC AND CEREBRAL, WITH ARTERIAL TORTUOSITY AND SKELETAL MANIFESTATIONS; TGFB2-Related Loeys-Dietz Syndrome. Identifiers: MedGen C3553762, MONDO:0013897, OMIM 614816.
Familial thoracic aortic aneurysm and aortic dissection (TAAD). Also called: Thoracic aortic aneurysms and dissections. Identifiers: Orphanet 91387, MedGen C4707243, MONDO:0019625.

Allele frequency attached by ClinVar (database versions not stated): gnomAD exomes 0.00001; ExAC 0.00002; gnomAD 0.00003 and 0.00004; TOPMed 0.00003.
gnomAD v4.1: 14 of 1,613,602 alleles (0.00087%); highest among the groups gnomAD compares: African/African-American, 0.013%; no homozygotes.

Submissions (4):

Ambry Genetics
Classification: Uncertain significance for Familial thoracic aortic aneurysm and aortic dissection. Last evaluated: 2022-04-21. Review status: criteria provided, single submitter. Criteria: Ambry Variant Classification Scheme 2023. Collection method: clinical testing. Allele origin: germline.
Comment: The p.K173R variant (also known as c.518A>G), located in coding exon 3 of the TGFB2 gene, results from an A to G substitution at nucleotide position 518. The lysine at codon 173 is replaced by arginine, an amino acid with highly similar properties. This amino acid position is conserved. In addition, this alteration is predicted to be tolerated by in silico analysis. Since supporting evidence is limited at this time, the clinical significance of this alteration remains unclear.

Fulgent Genetics
Classification: Uncertain significance for Loeys-Dietz syndrome 4. Last evaluated: 2021-08-24. Review status: criteria provided, single submitter. Criteria: ACMG Guidelines, 2015. Collection method: clinical testing. Allele origin: unknown.

GeneDx
Classification: Uncertain significance. Last evaluated: 2020-02-06. Review status: criteria provided, single submitter. Criteria: GeneDx Variant Classification Process June 2021. Collection method: clinical testing. Allele origin: germline. Affected: yes.
Comment: Not observed at a significant frequency in large population cohorts (Lek et al., 2016); In silico analysis supports that this missense variant does not alter protein structure/function; Has not been previously published as pathogenic or benign to our knowledge

Baylor Genetics
Classification: Uncertain significance for Loeys-Dietz syndrome 4. Last evaluated: 2018-03-22. Review status: criteria provided, single submitter. Criteria: ACMG Guidelines, 2015. Collection method: clinical testing. Allele origin: paternal. Affected: yes.
Comment: This variant was determined to be of uncertain significance according to ACMG Guidelines, 2015 [PMID:25741868].

NM_003238.6(TGFB2):c.518A>G (p.Lys173Arg)

Gene: TGFB2 (transforming growth factor beta 2; plus strand). Cytogenetic location: 1q41.
Variant type: single nucleotide variant.
Coding change: c.518A>G on transcript NM_003238.6 (MANE Select); coding-DNA position 518, A replaced by G.
Protein change: p.Lys173Arg; replaces lysine 173 with arginine.
Molecular consequence: missense variant. On other transcripts: non-coding transcript variant (2).
Genome position (GRCh38, 1-based): chr1:218,434,089, A>G. VCF-style: chr1-218434089-A-G. GRCh37 (hg19) VCF-style: chr1-218607431-A-G.
Other names: c.602A>G, p.Lys201Arg (NM_001135599.4); short protein forms K173R, K201R.
Identifiers: ClinVar variation 1031322 (VCV001031322.6), dbSNP rs749692412, ClinGen allele CA1398535.
Genomic context (GRCh38, chr1:218,434,089, plus strand): 5'-CATGCTGTCAGAATGCCAACTCAGCCTTTTCTCTTGCTCTTTTTCCCCTCCAGATTCTCA[A>G]GTCCAAAGATTTAACATCTCCAACCCAGCGCTACATCGACAGCAAAGTTGTGAAAACAAG-3'
Protein context (NP_003229.1, residues 163-183): EQRIELYQIL[Lys173Arg]SKDLTSPTQR